The following is an entry in ClinVar:

NM_004722.4(AP4M1):c.728-21TC[5]

Gene: AP4M1 (adaptor related protein complex 4 subunit mu 1; plus strand). Cytogenetic location: 7q22.1.
Variant type: Microsatellite.
Coding change: c.728-21TC[5] on transcript NM_004722.4 (MANE Select); five copies in a row of the 2-base unit TC starting at c.728-21.
Molecular consequence: intron variant.
Genome position: GRCh38 VCF-style: chr7-100105218-GTCTC-G. GRCh37 (hg19) VCF-style: chr7-99702841-GTCTC-G.
Other names: c.728-10_728-7delCTCT (NM_004722.3); c.749-21TC[5] (NM_001363671.2).
Identifiers: ClinVar variation 512579 (VCV000512579.6), dbSNP rs748639289, ClinGen allele CA4374775.

ClinVar aggregate classification (germline): Conflicting classifications of pathogenicity. Review status: criteria provided, conflicting classifications (1 of 4 stars). 3 submissions from 3 submitters: Uncertain significance (1); Likely benign (2). Last evaluated 2026-08-02.

Conditions:
AP4M1-related disorder. Also called: AP4M1-related condition.
Hereditary spastic paraplegia 50 (SPG50). Also called: Spastic paraplegia 50, autosomal recessive. Identifiers: Orphanet 280763, MedGen C2752008, MONDO:0013048, OMIM 612936.

Submissions (3):

PreventionGenetics, part of Exact Sciences
Classification: Likely benign for AP4M1-related condition. Last evaluated: 2026-08-02. Review status: criteria provided, single submitter. Criteria: ACMG Guidelines, 2015. Collection method: clinical testing. Allele origin: germline.
Comment: This variant is classified as likely benign based on ACMG/AMP sequence variant interpretation guidelines (Richards et al. 2015 PMID: 25741868, with internal and published modifications).

Labcorp Genetics (formerly Invitae), Labcorp
Classification: Uncertain significance for Hereditary spastic paraplegia 50. Last evaluated: 2021-11-15. Review status: criteria provided, single submitter. Criteria: Invitae Variant Classification Sherloc (09022015). Collection method: clinical testing. Allele origin: germline.
Comment: This sequence change falls in intron 9 of the AP4M1 gene. It does not directly change the encoded amino acid sequence of the AP4M1 protein. This variant is present in population databases (rs773729417, gnomAD 0.03%). This variant has not been reported in the literature in individuals affected with AP4M1-related conditions. ClinVar contains an entry for this variant (Variation ID: 512579). Algorithms developed to predict the effect of sequence changes on RNA splicing suggest that this variant may disrupt the consensus splice site. In summary, the available evidence is currently insufficient to determine the role of this variant in disease. Therefore, it has been classified as a Variant of Uncertain Significance.

GeneDx
Classification: Likely benign. Last evaluated: 2017-10-11. Review status: criteria provided, single submitter. Criteria: GeneDx Variant Classification (06012015). Collection method: clinical testing. Allele origin: germline. Affected: yes.
Comment: This variant is considered likely benign or benign based on one or more of the following criteria: it is a conservative change, it occurs at a poorly conserved position in the protein, it is predicted to be benign by multiple in silico algorithms, and/or has population frequency not consistent with disease.